The following is an entry in ClinVar:

NM_001099274.3(TINF2):c.61C>G (p.Gln21Glu)

Gene: TINF2 (TERF1 interacting nuclear factor 2; minus strand). Cytogenetic location: 14q12.
Variant type: single nucleotide variant.
Coding change: c.61C>G on transcript NM_001099274.3 (MANE Select); coding-DNA position 61, C replaced by G.
Protein change: p.Gln21Glu; replaces glutamine 21 with glutamic acid.
Molecular consequence: missense variant.
Genome position (GRCh38, 1-based): chr14:24,242,272, G>C on the plus strand (C>G on the coding strand, the complement: TINF2 is on the minus strand). VCF-style: chr14-24242272-G-C. GRCh37 (hg19) VCF-style: chr14-24711478-G-C.
Other names: c.61C>G, p.Gln21Glu (NM_001363668.2, NM_012461.3); short protein forms Q21E.
Identifiers: ClinVar variation 658127 (VCV000658127.8), dbSNP rs767648367, ClinGen allele CA7130765.

ClinVar aggregate classification (germline): Uncertain significance (1 of 4 stars; one submission).

Conditions:
Dyskeratosis congenita. Identifiers: Orphanet 1775, MedGen C0265965, MONDO:0015780.

Allele frequency attached by ClinVar (database versions not stated): TOPMed 0.00003; gnomAD 0.00005.
gnomAD v4.1: 40 of 1,613,940 alleles (0.0025%); highest among the groups gnomAD compares: Non-Finnish European, 0.0033%; no homozygotes.

Submission:

Labcorp Genetics (formerly Invitae), Labcorp
Classification: Uncertain significance for Dyskeratosis congenita. Last evaluated: 2025-04-28. Review status: criteria provided, single submitter. Criteria: Invitae Variant Classification Sherloc (09022015). Collection method: clinical testing. Allele origin: germline.
Comment: This sequence change replaces glutamine, which is neutral and polar, with glutamic acid, which is acidic and polar, at codon 21 of the TINF2 protein (p.Gln21Glu). This variant is present in population databases (rs767648367, gnomAD 0.005%). This variant has not been reported in the literature in individuals affected with TINF2-related conditions. ClinVar contains an entry for this variant (Variation ID: 658127). An algorithm developed to predict the effect of missense changes on protein structure and function (PolyPhen-2) suggests that this variant is likely to be tolerated. In summary, the available evidence is currently insufficient to determine the role of this variant in disease. Therefore, it has been classified as a Variant of Uncertain Significance.